The following is an entry in ClinVar:

NM_004204.5(PIGQ):c.350C>T (p.Ala117Val)

Gene: PIGQ (phosphatidylinositol glycan anchor biosynthesis class Q; plus strand). Cytogenetic location: 16p13.3.
Variant type: single nucleotide variant.
Coding change: c.350C>T on transcript NM_004204.5 (MANE Select); coding-DNA position 350, C replaced by T.
Protein change: p.Ala117Val; replaces alanine 117 with valine.
Molecular consequence: missense variant.
Genome position (GRCh38, 1-based): chr16:574,424, C>T. VCF-style: chr16-574424-C-T. GRCh37 (hg19) VCF-style: chr16-624424-C-T.
Other names: p.Ala117Val; c.350C>T, p.Ala117Val (NM_148920.4); c.350C>T (NM_004204.4, NM_148920.1); short protein forms A117V.
Identifiers: ClinVar variation 456046 (VCV000456046.44), dbSNP rs111753944, ClinGen allele CA7779848.

ClinVar aggregate classification (germline): Benign/Likely benign. Review status: criteria provided, multiple submitters, no conflicts (2 of 4 stars). 8 submissions from 8 submitters: Benign (1); Likely benign (6). 1 of the submissions does not count toward it. Last evaluated 2026-09-01.

Conditions:
Developmental and epileptic encephalopathy, 77. Also called: GLYCOSYLPHOSPHATIDYLINOSITOL BIOSYNTHESIS DEFECT 19; MULTIPLE CONGENITAL ANOMALIES-HYPOTONIA-SEIZURES SYNDROME 4; EPILEPTIC ENCEPHALOPATHY, EARLY INFANTILE, 77. Identifiers: MedGen C5231405, MONDO:0032808, OMIM 618548.
Inborn genetic diseases. Identifiers: MedGen C0950123, MeSH D030342.
Epilepsy. Also called: Seizure disorder. Identifiers: MedGen C0014544, MeSH D004827, MONDO:0005027.
PIGQ-related disorder. Also called: PIGQ-related condition.

Allele frequency attached by ClinVar (database versions not stated): gnomAD 0.00493 and 0.00508; ESP Exome Variant Server 0.00524; 1000 Genomes Project 0.00200; 1000 Genomes Project 30x 0.00219; TOPMed 0.00491.
gnomAD v4.1: 11,055 of 1,610,296 alleles (0.69%); highest among the groups gnomAD compares: Non-Finnish European, 0.87%; 46 homozygotes.

Submissions (8):

CeGaT Center for Human Genetics Tuebingen
Classification: Likely benign. Last evaluated: 2026-09-01. Review status: criteria provided, single submitter. Criteria: CeGaT Center For Human Genetics Tuebingen Variant Classification Criteria Version 2. Collection method: clinical testing. Allele origin: germline. Affected: yes. Observed: 37 variant alleles.
Comment: PIGQ: BP4, BS2

Labcorp Genetics (formerly Invitae), Labcorp
Classification: Likely benign for Epilepsy. Last evaluated: 2026-02-02. Review status: criteria provided, single submitter. Criteria: Invitae Variant Classification Sherloc (09022015). Collection method: clinical testing. Allele origin: germline.

Mayo Clinic Laboratories, Mayo Clinic
Classification: Benign. Last evaluated: 2025-06-24. Review status: criteria provided, single submitter. Criteria: ACMG Guidelines, 2015. Collection method: clinical testing. Allele origin: germline. Observed: 5 variant alleles.
Comment: BA1, BP4_moderate

Blueprint Genetics
Classification: Likely benign. Last evaluated: 2024-11-27. Review status: criteria provided, single submitter. Criteria: ACMG Guidelines, 2015. Collection method: clinical testing. Allele origin: germline.

Ambry Genetics
Classification: Likely benign for Inborn genetic diseases. Last evaluated: 2022-06-30. Review status: criteria provided, single submitter. Criteria: Ambry Variant Classification Scheme 2023. Collection method: clinical testing. Allele origin: germline.

Center for Genomics, Ann and Robert H. Lurie Children's Hospital of Chicago
Classification: Likely benign for Developmental and epileptic encephalopathy, 77. Last evaluated: 2022-04-29. Review status: criteria provided, single submitter. Criteria: ACMG Guidelines, 2015. Collection method: clinical testing. Allele origin: germline.
Comment: PIGQ NM_004204.3 exon 2 p.Ala117Val (c.350C>T): This variant has not been reported in the literature but is present in the Genome Aggregation Database (Highest reported MAF 0.8% (580/68016) including 2 homozygotes. Evolutionary conservation and computational predictive tools suggest that this variant may not impact the protein. This variant is present in ClinVar (Variation ID:456046). In summary, data on this variant suggests that this variant does not cause disease but requires further evidence. Therefore, this variant is classified as likely benign.

Breakthrough Genomics
Classification: Likely benign. Review status: criteria provided, single submitter. Criteria: ACMG Guidelines, 2015. Collection method: not provided. Allele origin: germline. Inheritance: Autosomal recessive inheritance. Affected: yes.

PreventionGenetics, part of Exact Sciences
Classification: Benign for PIGQ-related condition. Last evaluated: 2024-05-06. Review status: no assertion criteria provided. Collection method: clinical testing. Allele origin: germline. Not counted in ClinVar's aggregate classification.
Comment: This variant is classified as benign based on ACMG/AMP sequence variant interpretation guidelines (Richards et al. 2015 PMID: 25741868, with internal and published modifications).